The following is an entry in ClinVar:

ClinVar aggregate classification (germline): Pathogenic (1 of 4 stars; one submission).

Submission:

Labcorp Genetics (formerly Invitae), Labcorp
Classification: Pathogenic. Last evaluated: 2023-05-05. Review status: criteria provided, single submitter. Criteria: Invitae Variant Classification Sherloc (09022015). Collection method: clinical testing. Allele origin: germline.
Comment: For these reasons, this variant has been classified as Pathogenic. This variant has not been reported in the literature in individuals affected with IMPG2-related conditions. This variant is not present in population databases (gnomAD no frequency). This sequence change creates a premature translational stop signal (p.Gln579*) in the IMPG2 gene. It is expected to result in an absent or disrupted protein product. Loss-of-function variants in IMPG2 are known to be pathogenic (PMID: 20673862).

Literature cited by the submitters: PubMed 20673862.

NM_016247.4(IMPG2):c.1735C>T (p.Gln579Ter)

Gene: IMPG2 (interphotoreceptor matrix proteoglycan 2; minus strand). Cytogenetic location: 3q12.3.
Variant type: single nucleotide variant.
Coding change: c.1735C>T on transcript NM_016247.4 (MANE Select); coding-DNA position 1735, C replaced by T.
Protein change: p.Gln579Ter; replaces glutamine 579 with a stop codon.
Molecular consequence: nonsense.
Genome position (GRCh38, 1-based): chr3:101,244,596, G>A on the plus strand (C>T on the coding strand, the complement: IMPG2 is on the minus strand). VCF-style: chr3-101244596-G-A. GRCh37 (hg19) VCF-style: chr3-100963440-G-A.
Other names: short protein forms Q579*.
Identifiers: ClinVar variation 2862104 (VCV002862104.3), dbSNP rs1706454284, ClinGen allele CA353860227.
Genomic context (GRCh38, chr3:101,244,596, plus strand): 5'-CGTCAAATATTAACTCTTTTTCCATGGATGCATCTGGCAGGAAAGGGCTCACTTTTAATT[G>A]GTCTTTGACTTTGGAGGTCAAGGAGTCCAAGCCAAAAGGTATAGAAGAGGTCAGATATGG-3'